The following is an entry in ClinVar:

NM_000540.3(RYR1):c.12743C>T (p.Ala4248Val)

Gene: RYR1 (ryanodine receptor 1; plus strand). Cytogenetic location: 19q13.2.
Variant type: single nucleotide variant.
Coding change: c.12743C>T on transcript NM_000540.3 (MANE Select); coding-DNA position 12743, C replaced by T.
Protein change: p.Ala4248Val; replaces alanine 4248 with valine.
Molecular consequence: missense variant.
Genome position (GRCh38, 1-based): chr19:38,565,077, C>T. VCF-style: chr19-38565077-C-T. GRCh37 (hg19) VCF-style: chr19-39055717-C-T.
Other names: c.12728C>T, p.Ala4243Val (NM_001042723.2); short protein forms A4243V, A4248V.
Identifiers: ClinVar variation 1502395 (VCV001502395.6), dbSNP rs1426362155, ClinGen allele CA405671059.

ClinVar aggregate classification (germline): Uncertain significance (1 of 4 stars; one submission).

Conditions:
RYR1-related disorder. Also called: RYR1-related condition; RYR1-related disorders. Identifiers: MedGen CN239331.

Submission:

Labcorp Genetics (formerly Invitae), Labcorp
Classification: Uncertain significance for RYR1-related disorder. Last evaluated: 2024-10-18. Review status: criteria provided, single submitter. Criteria: Invitae Variant Classification Sherloc (09022015). Collection method: clinical testing. Allele origin: germline.
Comment: This sequence change replaces alanine, which is neutral and non-polar, with valine, which is neutral and non-polar, at codon 4248 of the RYR1 protein (p.Ala4248Val). This variant is not present in population databases (gnomAD no frequency). This variant has not been reported in the literature in individuals affected with RYR1-related conditions. ClinVar contains an entry for this variant (Variation ID: 1502395). Invitae Evidence Modeling of protein sequence and biophysical properties (such as structural, functional, and spatial information, amino acid conservation, physicochemical variation, residue mobility, and thermodynamic stability) indicates that this missense variant is not expected to disrupt RYR1 protein function with a negative predictive value of 80%. In summary, the available evidence is currently insufficient to determine the role of this variant in disease. Therefore, it has been classified as a Variant of Uncertain Significance.